The following is an entry in ClinVar:

ClinVar aggregate classification (germline): Likely pathogenic (1 of 4 stars; one submission).

Conditions:
Epidermolysis bullosa simplex 1A, generalized severe (EBS1A). Also called: Epidermolysis bullosa simplex Dowling-Meara type. Identifiers: Orphanet 79396, MedGen C0079295, MONDO:0007550, OMIM 131760.

Submission:

Neuberg Centre For Genomic Medicine, NCGM
Classification: Likely pathogenic for Epidermolysis bullosa simplex 1A, generalized severe. Review status: criteria provided, single submitter. Criteria: ACMG Guidelines, 2015. Collection method: clinical testing. Allele origin: germline. Inheritance: Autosomal recessive inheritance. Affected: yes.
Comment: The frameshift deletion p.E205Gfs*4 in KRT14 (NM_000526.5) has not been reported previously as a pathogenic variant nor as a benign variant, to our knowledge. The p.E205Gfs*4 variant is novel (not in any individuals) in gnomAD Exomes and is novel (not in any individuals) in 1000 Genomes. This variant is predicted to cause loss of normal protein function through protein truncation. For these reasons, this variant has been classified as Likely Pathogenic.

NM_000526.5(KRT14):c.614del (p.Glu205fs)

Gene: KRT14 (keratin 14; minus strand). Cytogenetic location: 17q21.2.
Variant type: Deletion.
Coding change: c.614del on transcript NM_000526.5 (MANE Select); coding-DNA position 614, one base deleted (A; older notation c.614delA).
Protein change: p.Glu205fs; shifts the reading frame from glutamic acid 205.
Molecular consequence: frameshift variant.
Genome position (GRCh38, 1-based): chr17:41,584,408, T deleted on the plus strand (A on the coding strand, the reverse complement: KRT14 is on the minus strand). VCF-style (leftmost placement, unchanged base first): chr17-41584407-CT-C. GRCh37 (hg19) VCF-style: chr17-39740659-CT-C.
Other names: short protein forms E205fs.
Identifiers: ClinVar variation 2627472 (VCV002627472.1), dbSNP rs2508734157, ClinGen allele CA2582342192.